The following is an entry in ClinVar:

ClinVar aggregate classification (germline): Uncertain significance (1 of 4 stars; one submission).

Allele frequency attached by ClinVar (database versions not stated): gnomAD exomes below 0.00001.
gnomAD v4.1: 1 of 1,613,930 alleles (0.000062%); highest among the groups gnomAD compares: East Asian, 0.0022%; no homozygotes.

Submission:

Labcorp Genetics (formerly Invitae), Labcorp
Classification: Uncertain significance. Last evaluated: 2022-07-05. Review status: criteria provided, single submitter. Criteria: Invitae Variant Classification Sherloc (09022015). Collection method: clinical testing. Allele origin: germline.
Comment: In summary, the available evidence is currently insufficient to determine the role of this variant in disease. Therefore, it has been classified as a Variant of Uncertain Significance. Algorithms developed to predict the effect of missense changes on protein structure and function (SIFT, PolyPhen-2, Align-GVGD) all suggest that this variant is likely to be disruptive. ClinVar contains an entry for this variant (Variation ID: 1039074). This variant has not been reported in the literature in individuals affected with RIMS1-related conditions. This variant is not present in population databases (gnomAD no frequency). This sequence change replaces arginine, which is basic and polar, with glycine, which is neutral and non-polar, at codon 206 of the RIMS1 protein (p.Arg206Gly).

NM_014989.7(RIMS1):c.616A>G (p.Arg206Gly)

Gene: RIMS1 (regulating synaptic membrane exocytosis 1; plus strand). Cytogenetic location: 6q13.
Variant type: single nucleotide variant.
Coding change: c.616A>G on transcript NM_014989.7 (MANE Select); coding-DNA position 616, A replaced by G.
Protein change: p.Arg206Gly; replaces arginine 206 with glycine.
Molecular consequence: missense variant.
Genome position (GRCh38, 1-based): chr6:72,179,719, A>G. VCF-style: chr6-72179719-A-G. GRCh37 (hg19) VCF-style: chr6-72889422-A-G.
Other names: short protein forms R206G.
Identifiers: ClinVar variation 1039074 (VCV001039074.10), dbSNP rs2048176752, ClinGen allele CA364818532.
Genomic context (GRCh38, chr6:72,179,719, plus strand): 5'-CAGACAAGTCAGGATGGAACCCTGAGTGATACAGCTACAGGTGCTGGCTCTGAGGTACCA[A>G]GAGAAAAGAAAGCACGACTCCAAGAGCGATCGCGGTCTCAGACACCCCTAAGCACAGCAG-3'
Protein context (NP_055804.2, residues 196-216): TATGAGSEVP[Arg206Gly]EKKARLQERS